The following is an entry in ClinVar:

NM_020987.5(ANK3):c.2746T>A (p.Ser916Thr)

Gene: ANK3 (ankyrin 3; minus strand). Cytogenetic location: 10q21.2.
Variant type: single nucleotide variant.
Coding change: c.2746T>A on transcript NM_020987.5 (MANE Select); coding-DNA position 2746, T replaced by A.
Protein change: p.Ser916Thr; replaces serine 916 with threonine.
Molecular consequence: missense variant.
Genome position (GRCh38, 1-based): chr10:60,134,366, A>T on the plus strand (T>A on the coding strand, the complement: ANK3 is on the minus strand). VCF-style: chr10-60134366-A-T. GRCh37 (hg19) VCF-style: chr10-61894124-A-T.
Other names: c.148T>A, p.Ser50Thr (NM_001149.4); c.2728T>A, p.Ser910Thr (NM_001204403.2); c.2749T>A, p.Ser917Thr (NM_001204404.2); c.2746T>A, p.Ser916Thr (NM_001320874.2); short protein forms S910T, S916T, S917T, S50T.
Identifiers: ClinVar variation 392476 (VCV000392476.2), dbSNP rs1057524507, ClinGen allele CA16605659.

ClinVar aggregate classification (germline): Uncertain significance (1 of 4 stars; one submission).

Submission:

GeneDx
Classification: Uncertain significance. Last evaluated: 2017-01-04. Review status: criteria provided, single submitter. Criteria: GeneDx Variant Classification (06012015). Collection method: clinical testing. Allele origin: germline. Affected: yes.
Comment: A variant of uncertain significance has been identified in the ANK3 gene. The S916T variant has not been published as a pathogenic variant, nor has it been reported as a benign variant to our knowledge. It is not observed in large population cohorts (Lek et al., 2016; 1000 Genomes Consortium et al., 2015; Exome Variant Server). The S916T variant is a conservative amino acid substitution, which is not likely to impact secondary protein structure as these residues share similar properties. However, this substitution occurs at a position that is conserved across species, and in silico analysis predicts the S916T variant is probably damaging to the protein structure/function. Based on the currently available information, it is unclear whether this variant is a pathogenic variant or a rare benign variant.